The following is an entry in ClinVar:

ClinVar aggregate classification (germline): Likely pathogenic (1 of 4 stars; one submission).

Conditions:
Autosomal recessive limb-girdle muscular dystrophy type 2J (LGMDR10). Also called: Limb-girdle muscular dystrophy, type 2J; MUSCULAR DYSTROPHY, LIMB-GIRDLE, AUTOSOMAL RECESSIVE 10. Identifiers: Orphanet 140922, MedGen C1837342, MONDO:0012127, OMIM 608807.
Dilated cardiomyopathy 1G (CMD1G). Identifiers: Orphanet 154, MedGen C1858763, MONDO:0011400, OMIM 604145.

Submission:

Labcorp Genetics (formerly Invitae), Labcorp
Classification: Likely pathogenic for Dilated cardiomyopathy 1G; Autosomal recessive limb-girdle muscular dystrophy type 2J. Last evaluated: 2022-08-19. Review status: criteria provided, single submitter. Criteria: Invitae Variant Classification Sherloc (09022015). Collection method: clinical testing. Allele origin: germline.
Comment: In summary, the currently available evidence indicates that the variant is pathogenic, but additional data are needed to prove that conclusively. Therefore, this variant has been classified as Likely Pathogenic. This variant is located in the A band of TTN (PMID: 25589632). Truncating variants in this region are significantly overrepresented in patients affected with dilated cardiomyopathy (PMID: 25589632). Truncating variants in this region have also been reported in individuals affected with autosomal recessive centronuclear myopathy (PMID: 23975875). This variant has not been reported in the literature in individuals affected with TTN-related conditions. This variant is not present in population databases (gnomAD no frequency). This sequence change creates a premature translational stop signal (p.Gly25869*) in the TTN gene. While this is not anticipated to result in nonsense mediated decay, it is expected to create a truncated TTN protein.

Literature cited by the submitters: PubMed 25589632; PubMed 23975875.

NM_001267550.2(TTN):c.77605G>T (p.Gly25869Ter)

Genes: TTN (titin; minus strand), TTN-AS1 (TTN antisense RNA 1; plus strand). Cytogenetic location: 2q31.2.
Variant type: single nucleotide variant.
Coding change: c.77605G>T on transcript NM_001267550.2 (MANE Select); coding-DNA position 77605, G replaced by T.
Protein change: p.Gly25869Ter; replaces glycine 25869 with a stop codon.
Molecular consequence: nonsense.
Genome position (GRCh38, 1-based): chr2:178,568,527, C>A on the plus strand (G>T on the coding strand, the complement: TTN is on the minus strand). VCF-style: chr2-178568527-C-A. GRCh37 (hg19) VCF-style: chr2-179433254-C-A.
Other names: c.72682G>T, p.Gly24228Ter (NM_001256850.1); c.50410G>T, p.Gly16804Ter (NM_003319.4); c.69901G>T, p.Gly23301Ter (NM_133378.4); c.50785G>T, p.Gly16929Ter (NM_133432.3); c.50986G>T, p.Gly16996Ter (NM_133437.4); short protein forms G25869*, G16996*, G23301*, G16804*, G16929*, G24228*.
Identifiers: ClinVar variation 2024897 (VCV002024897.4), dbSNP rs2468367066, ClinGen allele CA349605985.